The following is an entry in ClinVar:

ClinVar aggregate classification (germline): Pathogenic (1 of 4 stars; one submission).

Conditions:
Mucopolysaccharidosis, MPS-II (MPS2). Also called: Hunter Syndrome; IDURONATE 2-SULFATASE DEFICIENCY; Mucopolysaccharidosis Type II; Mucopolysaccharidosis type 2; Attenuated MPS (subtype; formerly known as mild MPS II); Severe MPS II. Identifiers: Orphanet 580, Orphanet 79388, MedGen C0026705, MONDO:0010674, OMIM 309900.

Submission:

Laboratory of Diagnosis and Therapy of Lysosomal Disorders, University of Padova
Classification: Pathogenic for Mucopolysaccharidosis, MPS-II. Last evaluated: 2024-06-07. Review status: criteria provided, single submitter. Criteria: ACMG Guidelines, 2015. Collection method: literature only. Allele origin: germline. Affected: yes. Observed: 1 variant allele.
Comment: Null variant (PVS1_VeryStrong), Absent from controls (or at low frequency) in gnomAD database (PM2_Moderate), Patient’s phenotype or family history highly specific for the disease (PP4_Strong)

Classification method: ACMG Guidelines [PMID:25741868] with modifications

Literature cited by the submitters: PubMed 7887413.

NM_000202.8(IDS):c.420dup

Genes: IDS (iduronate 2-sulfatase; minus strand), LOC106050102 (IDS recombination region; plus strand). Cytogenetic location: Xq28.
Variant type: Duplication.
Coding change: c.420dup on transcript NM_000202.8 (MANE Select); coding-DNA position 420, one base duplicated (G; older notation c.420dupG).
Molecular consequence: splice acceptor variant.
Genome position (GRCh38, 1-based): chrX:149,501,036, C duplicated on the plus strand (G on the coding strand, the reverse complement: IDS is on the minus strand); the first of 3 consecutive C bases (chrX:149,501,036-149,501,038); duplicating any one gives the same sequence. VCF-style (leftmost placement, unchanged base first): chrX-149501035-T-TC. GRCh37 (hg19) VCF-style: chrX-148582566-T-TC.
Identifiers: ClinVar variation 3255719 (VCV003255719.2).